The following is an entry in ClinVar:

NM_002878.4(RAD51D):c.268G>A (p.Asp90Asn)

Genes: RAD51D (RAD51 paralog D; minus strand), RAD51L3-RFFL (RAD51L3-RFFL readthrough; minus strand). Cytogenetic location: 17q12.
Variant type: single nucleotide variant.
Coding change: c.268G>A on transcript NM_002878.4 (MANE Select); coding-DNA position 268, G replaced by A.
Protein change: p.Asp90Asn; replaces aspartic acid 90 with asparagine.
Molecular consequence: missense variant. On other transcripts: non-coding transcript variant (2), intron variant (1).
Genome position (GRCh38, 1-based): chr17:35,107,443, C>T on the plus strand (G>A on the coding strand, the complement: RAD51D is on the minus strand). VCF-style: chr17-35107443-C-T. GRCh37 (hg19) VCF-style: chr17-33434462-C-T.
Other names: c.328G>A, p.Asp110Asn (NM_001142571.2); c.145-962G>A (NM_133629.3); short protein forms D90N, D110N.
Identifiers: ClinVar variation 187680 (VCV000187680.21), dbSNP rs371561526, ClinGen allele CA198283.

ClinVar aggregate classification (germline): Uncertain significance. Review status: criteria provided, multiple submitters, no conflicts (2 of 4 stars). 5 submissions from 5 submitters: Uncertain significance (5). Last evaluated 2026-01-11.

Conditions:
Breast-ovarian cancer, familial, susceptibility to, 4. Identifiers: Orphanet 145, MedGen C3280345, MONDO:0013669, OMIM 614291.
Hereditary cancer-predisposing syndrome. Also called: Neoplastic Syndromes, Hereditary; Tumor predisposition; Hereditary Cancer Syndrome; Hereditary neoplastic syndrome. Identifiers: Orphanet 140162, MedGen C0027672, MeSH D009386, MONDO:0015356.

Allele frequency attached by ClinVar (database versions not stated): gnomAD exomes below 0.00001 and 0.00001; gnomAD 0.00001; TOPMed 0.00001; ExAC 0.00002; ESP Exome Variant Server 0.00008.

Submissions (5):

Labcorp Genetics (formerly Invitae), Labcorp
Classification: Uncertain significance for Breast-ovarian cancer, familial, susceptibility to, 4. Last evaluated: 2026-01-11. Review status: criteria provided, single submitter. Criteria: Invitae Variant Classification Sherloc (09022015). Collection method: clinical testing. Allele origin: germline.
Comment: This sequence change replaces aspartic acid, which is acidic and polar, with asparagine, which is neutral and polar, at codon 90 of the RAD51D protein (p.Asp90Asn). This variant is present in population databases (rs371561526, gnomAD 0.01%). This variant has not been reported in the literature in individuals affected with RAD51D-related conditions. ClinVar contains an entry for this variant (Variation ID: 187680). Invitae Evidence Modeling of protein sequence and biophysical properties (such as structural, functional, and spatial information, amino acid conservation, physicochemical variation, residue mobility, and thermodynamic stability) indicates that this missense variant is not expected to disrupt RAD51D protein function with a negative predictive value of 80%. In summary, the available evidence is currently insufficient to determine the role of this variant in disease. Therefore, it has been classified as a Variant of Uncertain Significance.

Quest Diagnostics Nichols Institute San Juan Capistrano
Classification: Uncertain significance. Last evaluated: 2025-09-15. Review status: criteria provided, single submitter. Criteria: Quest Diagnostics criteria. Collection method: clinical testing. Allele origin: unknown.
Comment: The RAD51D c.268G>A (p.Asp90Asn) variant has not been reported in individuals with RAD51D-related conditions in the published literature. The frequency of this variant in the general population (Genome Aggregation Database) is uninformative in the assessment of its pathogenicity. Analysis of this variant using bioinformatics tools for the prediction of the effect of amino acid changes on protein structure and function yielded conflicting predictions that this variant is benign or damaging. Based on the available information, we are unable to determine the clinical significance of this variant.

Ambry Genetics
Classification: Uncertain significance for Hereditary cancer-predisposing syndrome. Last evaluated: 2024-12-06. Review status: criteria provided, single submitter. Criteria: Ambry Variant Classification Scheme 2023. Collection method: clinical testing. Allele origin: germline.
Comment: The p.D90N variant (also known as c.268G>A), located in coding exon 4 of the RAD51D gene, results from a G to A substitution at nucleotide position 268. The aspartic acid at codon 90 is replaced by asparagine, an amino acid with highly similar properties. This amino acid position is highly conserved in available vertebrate species. In addition, the in silico prediction for this alteration is inconclusive. Since supporting evidence is limited at this time, the clinical significance of this alteration remains unclear.

GeneDx
Classification: Uncertain significance. Last evaluated: 2024-09-12. Review status: criteria provided, single submitter. Criteria: GeneDx Variant Classification Process June 2021. Collection method: clinical testing. Allele origin: germline. Affected: yes.
Comment: Not observed at significant frequency in large population cohorts (gnomAD); In silico analysis supports that this missense variant has a deleterious effect on protein structure/function; Has not been previously published as pathogenic or benign to our knowledge; This variant is associated with the following publications: (PMID: 34206535, 21111057, 14704354)

Baylor Genetics
Classification: Uncertain significance for Breast-ovarian cancer, familial, susceptibility to, 4. Last evaluated: 2023-08-01. Review status: criteria provided, single submitter. Criteria: ACMG Guidelines, 2015. Collection method: clinical testing. Allele origin: unknown.

Literature cited by the submitters: PubMed 34206535 (cited by Quest Diagnostics Nichols Institute San Juan Capistrano).